The following is an entry in ClinVar:

ClinVar aggregate classification (germline): Uncertain significance (1 of 4 stars; one submission).

Conditions:
Inborn genetic diseases. Identifiers: MedGen C0950123, MeSH D030342.

Submission:

Ambry Genetics
Classification: Uncertain significance for Inborn genetic diseases. Last evaluated: 2025-06-06. Review status: criteria provided, single submitter. Criteria: Ambry Variant Classification Scheme 2023. Collection method: clinical testing. Allele origin: germline.
Comment: The p.A208T variant (also known as c.622G>A), located in coding exon 1 of the SAMD9L gene, results from a G to A substitution at nucleotide position 622. The alanine at codon 208 is replaced by threonine, an amino acid with similar properties. This amino acid position is conserved. In addition, this alteration is predicted to be tolerated by in silico analysis. Based on the available evidence, the clinical significance of this variant remains unclear.

NM_152703.5(SAMD9L):c.622G>A (p.Ala208Thr)

Gene: SAMD9L (sterile alpha motif domain containing 9 like; minus strand). Cytogenetic location: 7q21.2.
Variant type: single nucleotide variant.
Coding change: c.622G>A on transcript NM_152703.5 (MANE Select); coding-DNA position 622, G replaced by A.
Protein change: p.Ala208Thr; replaces alanine 208 with threonine.
Molecular consequence: missense variant.
Genome position (GRCh38, 1-based): chr7:93,135,350, C>T on the plus strand (G>A on the coding strand, the complement: SAMD9L is on the minus strand). VCF-style: chr7-93135350-C-T. GRCh37 (hg19) VCF-style: chr7-92764663-C-T.
Other names: c.622G>A, p.Ala208Thr (NM_001303496.3, NM_001303497.3, NM_001303498.3 and 5 more transcripts); short protein forms A208T.
Identifiers: ClinVar variation 3950000 (VCV003950000.1).